The following is an entry in ClinVar:

ClinVar aggregate classification (germline): Conflicting classifications of pathogenicity. Review status: criteria provided, conflicting classifications (1 of 4 stars). 2 submissions from 2 submitters: Uncertain significance (1); Likely benign (1). Last evaluated 2023-03-23.

Conditions:
Hereditary cancer-predisposing syndrome. Also called: Hereditary neoplastic syndrome; Tumor predisposition; Neoplastic Syndromes, Hereditary; Hereditary Cancer Syndrome. Identifiers: Orphanet 140162, MedGen C0027672, MeSH D009386, MONDO:0015356.
Hereditary breast ovarian cancer syndrome. Also called: Hereditary breast and ovarian cancer; Hereditary breast and/or ovarian cancer syndrome; Breast and ovarian cancer; BRCA1- and BRCA2-Associated Hereditary Breast and Ovarian Cancer; Hereditary breast and ovarian cancer syndrome; Hereditary breast and ovarian cancer syndrome (HBOC). Identifiers: Orphanet 145, MedGen C0677776, MeSH D061325, MONDO:0003582. Disease mechanism: loss of function.

Submissions (2):

University of Washington Department of Laboratory Medicine, University of Washington
Classification: Likely benign for Hereditary cancer-predisposing syndrome. Last evaluated: 2023-03-23. Review status: criteria provided, single submitter. Criteria: Dines et al. (Genet Med. 2020). Collection method: curation. Allele origin: germline.
Comment: Missense variant in a coldspot region where missense variants are very unlikely to be pathogenic (PMID:31911673).

BRCA1 coldspot (exon 11 using historical exon numbering). Reclassification based on statistical prior probability

Labcorp Genetics (formerly Invitae), Labcorp
Classification: Uncertain significance for Hereditary breast ovarian cancer syndrome. Last evaluated: 2022-04-07. Review status: criteria provided, single submitter. Criteria: Invitae Variant Classification Sherloc (09022015). Collection method: clinical testing. Allele origin: germline.
Comment: This sequence change replaces serine, which is neutral and polar, with glycine, which is neutral and non-polar, at codon 1101 of the BRCA1 protein (p.Ser1101Gly). This variant is not present in population databases (gnomAD no frequency). This variant has not been reported in the literature in individuals affected with BRCA1-related conditions. ClinVar contains an entry for this variant (Variation ID: 656160). Advanced modeling of protein sequence and biophysical properties (such as structural, functional, and spatial information, amino acid conservation, physicochemical variation, residue mobility, and thermodynamic stability) performed at Invitae indicates that this missense variant is not expected to disrupt BRCA1 protein function. Algorithms developed to predict the effect of sequence changes on RNA splicing suggest that this variant may create or strengthen a splice site. In summary, the available evidence is currently insufficient to determine the role of this variant in disease. Therefore, it has been classified as a Variant of Uncertain Significance.

NM_007294.4(BRCA1):c.3301A>G (p.Ser1101Gly)

Genes: BRCA1 (BRCA1 DNA repair associated; minus strand), LOC126862571 (BRD4-independent group 4 enhancer GRCh37_chr17:41243136-41244335; plus strand). Cytogenetic location: 17q21.31.
Variant type: single nucleotide variant.
Coding change: c.3301A>G on transcript NM_007294.4 (MANE Select); coding-DNA position 3301, A replaced by G.
Protein change: p.Ser1101Gly; replaces serine 1101 with glycine.
Molecular consequence: missense variant. On other transcripts: intron variant (137).
Genome position (GRCh38, 1-based): chr17:43,092,230, T>C on the plus strand (A>G on the coding strand, the complement: BRCA1 is on the minus strand). VCF-style: chr17-43092230-T-C. GRCh37 (hg19) VCF-style: chr17-41244247-T-C.
Other names: c.788-1198A>G (NM_001407981.1, NM_007298.4, NM_001407978.1 and 17 more transcripts); c.710-1198A>G (NM_001408411.1, NM_001408414.1, NM_001408412.1 and 2 more transcripts); c.578-1198A>G (NM_001408514.1, NM_001408485.1, NM_001408481.1 and 9 more transcripts); c.662-1198A>G (NM_001408447.1, NM_001408433.1, NM_001408446.1 and 6 more transcripts); c.644-1198A>G (NM_001408462.1, NM_001408470.1, NM_001408464.1 and 3 more transcripts); c.785-1198A>G (NM_001408400.1, NM_001408392.1, NM_001407972.1 and 13 more transcripts); c.665-1198A>G (NM_001408441.1, NM_001408437.1, NM_001408429.1 and 12 more transcripts); c.3301A>G, p.Ser1101Gly (NM_001407596.1, NM_001407597.1, NM_001407598.1 and 30 more transcripts); and 41 more; short protein forms S1054G, S1101G, S1013G, S1030G, S1033G, S1074G, S1098G, S989G.
Identifiers: ClinVar variation 656160 (VCV000656160.12), dbSNP rs1597864528, ClinGen allele CA10595387.